The following is an entry in ClinVar:

NM_001368809.2(AMPD2):c.433G>C (p.Glu145Gln)

Gene: AMPD2 (adenosine monophosphate deaminase 2; plus strand). Cytogenetic location: 1p13.3.
Variant type: single nucleotide variant.
Coding change: c.433G>C on transcript NM_001368809.2 (MANE Select); coding-DNA position 433, G replaced by C.
Protein change: p.Glu145Gln; replaces glutamic acid 145 with glutamine.
Molecular consequence: missense variant.
Genome position (GRCh38, 1-based): chr1:109,626,329, G>C. VCF-style: chr1-109626329-G-C. GRCh37 (hg19) VCF-style: chr1-110168951-G-C.
Other names: c.241G>C, p.Glu81Gln (NM_001257361.2); c.370G>C, p.Glu124Gln (NM_001308170.1); c.433G>C, p.Glu145Gln (NM_004037.9); c.352G>C, p.Glu118Gln (NM_139156.4); short protein forms E118Q, E124Q, E145Q, E81Q.
Identifiers: ClinVar variation 1407864 (VCV001407864.9), dbSNP rs753757082, ClinGen allele CA992803.

ClinVar aggregate classification (germline): Uncertain significance (1 of 4 stars; one submission).

Conditions:
Pontocerebellar hypoplasia type 9. Identifiers: Orphanet 369920, MedGen C4014354, MONDO:0014351, OMIM 615809.
Hereditary spastic paraplegia 63. Also called: Spastic paraplegia 63, autosomal recessive. Identifiers: Orphanet 401805, MedGen C3810295, MONDO:0014305, OMIM 615686.

Allele frequency attached by ClinVar (database versions not stated): gnomAD 0.00001; TOPMed 0.00001; ExAC 0.00003; gnomAD exomes 0.00003.
gnomAD v4.1: 15 of 1,613,438 alleles (0.00093%); highest among the groups gnomAD compares: South Asian, 0.016%; no homozygotes.

Submission:

Labcorp Genetics (formerly Invitae), Labcorp
Classification: Uncertain significance for Pontocerebellar hypoplasia type 9; Hereditary spastic paraplegia 63. Last evaluated: 2022-09-01. Review status: criteria provided, single submitter. Criteria: Invitae Variant Classification Sherloc (09022015). Collection method: clinical testing. Allele origin: germline.
Comment: In summary, the available evidence is currently insufficient to determine the role of this variant in disease. Therefore, it has been classified as a Variant of Uncertain Significance. Algorithms developed to predict the effect of missense changes on protein structure and function are either unavailable or do not agree on the potential impact of this missense change (SIFT: "Tolerated"; PolyPhen-2: "Possibly Damaging"; Align-GVGD: "Class C0"). ClinVar contains an entry for this variant (Variation ID: 1407864). This variant has not been reported in the literature in individuals affected with AMPD2-related conditions. This variant is present in population databases (rs753757082, gnomAD 0.03%). This sequence change replaces glutamic acid, which is acidic and polar, with glutamine, which is neutral and polar, at codon 199 of the AMPD2 protein (p.Glu199Gln).